The following is an entry in ClinVar:

ClinVar aggregate classification (germline): Uncertain significance (1 of 4 stars; one submission).

Conditions:
Hereditary spastic paraplegia 6 (SPG6). Also called: SPASTIC PARAPLEGIA 6, AUTOSOMAL DOMINANT. Identifiers: Orphanet 100988, MedGen C1838192, MONDO:0010878, OMIM 600363.

Submission:

Labcorp Genetics (formerly Invitae), Labcorp
Classification: Uncertain significance for Hereditary spastic paraplegia 6. Last evaluated: 2019-06-14. Review status: criteria provided, single submitter. Criteria: Invitae Variant Classification Sherloc (09022015). Collection method: clinical testing. Allele origin: germline.
Comment: In summary, the available evidence is currently insufficient to determine the role of this variant in disease. Therefore, it has been classified as a Variant of Uncertain Significance. Algorithms developed to predict the effect of missense changes on protein structure and function are either unavailable or do not agree on the potential impact of this missense change (SIFT: "Deleterious"; PolyPhen-2: "Probably Damaging"; Align-GVGD: "Class C0"). This variant has not been reported in the literature in individuals with NIPA1-related conditions. This variant is not present in population databases (ExAC no frequency). This sequence change replaces valine with phenylalanine at codon 36 of the NIPA1 protein (p.Val36Phe). The valine residue is moderately conserved and there is a small physicochemical difference between valine and phenylalanine.

NM_144599.5(NIPA1):c.106G>T (p.Val36Phe)

Genes: NIPA1 (NIPA magnesium transporter 1; plus strand), LOC130056709 (ATAC-STARR-seq lymphoblastoid silent region 6259; plus strand). Cytogenetic location: 15q11.2.
Variant type: single nucleotide variant.
Coding change: c.106G>T on transcript NM_144599.5 (MANE Select); coding-DNA position 106, G replaced by T.
Protein change: p.Val36Phe; replaces valine 36 with phenylalanine.
Molecular consequence: missense variant. On other transcripts: intron variant (1).
Genome position (GRCh38, 1-based): chr15:22,786,762, G>T. VCF-style: chr15-22786762-G-T. GRCh37 (hg19) VCF-style: chr15-23086306-C-A.
Other names: c.-48+514G>T (NM_001142275.1); short protein forms V36F.
Identifiers: ClinVar variation 948184 (VCV000948184.10), dbSNP rs772941328, ClinGen allele CA391298676.